The following is an entry in ClinVar:

ClinVar aggregate classification (germline): Uncertain significance (1 of 4 stars; one submission).

Submission:

Ambry Genetics
Classification: Uncertain significance. Last evaluated: 2024-09-12. Review status: criteria provided, single submitter. Criteria: Ambry Variant Classification Scheme 2023. Collection method: clinical testing. Allele origin: germline.
Comment: The p.T468S variant (also known as c.1403C>G), located in coding exon 10 of the RINT1 gene, results from a C to G substitution at nucleotide position 1403. The threonine at codon 468 is replaced by serine, an amino acid with similar properties. This amino acid position is conserved. In addition, this alteration is predicted to be tolerated by in silico analysis. Based on the available evidence, the clinical significance of this variant remains unclear.

NM_021930.6(RINT1):c.1403C>G (p.Thr468Ser)

Gene: RINT1 (RAD50 interactor 1; plus strand). Cytogenetic location: 7q22.3.
Variant type: single nucleotide variant.
Coding change: c.1403C>G on transcript NM_021930.6 (MANE Select); coding-DNA position 1403, C replaced by G.
Protein change: p.Thr468Ser; replaces threonine 468 with serine.
Molecular consequence: missense variant. On other transcripts: non-coding transcript variant (1).
Genome position (GRCh38, 1-based): chr7:105,551,639, C>G. VCF-style: chr7-105551639-C-G. GRCh37 (hg19) VCF-style: chr7-105192086-C-G.
Other names: c.1169C>G, p.Thr390Ser (NM_001346599.2); c.380C>G, p.Thr127Ser (NM_001346600.2, NM_001346603.2); c.479C>G, p.Thr160Ser (NM_001346601.2); short protein forms T127S, T160S, T390S, T468S.
Identifiers: ClinVar variation 3433621 (VCV003433621.1).
Genomic context (GRCh38, chr7:105,551,639, plus strand): 5'-AAAAAATGGACTCAATGCTTTCCTCAGAAGCTGCCTGGGTATCGCAATATAAGGATATCA[C>G]TGACGTGGATGAAATGAAAGTTCCAGATTGTGCAGAAACTTTTATGACTCTACTCTTGGT-3'
Protein context (NP_068749.3, residues 458-478): AAWVSQYKDI[Thr468Ser]DVDEMKVPDC